The following is an entry in ClinVar:

ClinVar aggregate classification (germline): Uncertain significance. Review status: criteria provided, multiple submitters, no conflicts (2 of 4 stars). 2 submissions from 2 submitters: Uncertain significance (2). Last evaluated 2024-02-23.

gnomAD v4.1: 2 of 1,613,098 alleles (0.00012%); no homozygotes.

Submissions (2):

Labcorp Genetics (formerly Invitae), Labcorp
Classification: Uncertain significance. Last evaluated: 2024-02-23. Review status: criteria provided, single submitter. Criteria: Invitae Variant Classification Sherloc (09022015). Collection method: clinical testing. Allele origin: germline.
Comment: This sequence change replaces valine, which is neutral and non-polar, with leucine, which is neutral and non-polar, at codon 4853 of the ADGRV1 protein (p.Val4853Leu). This variant is not present in population databases (gnomAD no frequency). This variant has not been reported in the literature in individuals affected with ADGRV1-related conditions. ClinVar contains an entry for this variant (Variation ID: 1020484). Advanced modeling of protein sequence and biophysical properties (such as structural, functional, and spatial information, amino acid conservation, physicochemical variation, residue mobility, and thermodynamic stability) performed at Invitae indicates that this missense variant is not expected to disrupt ADGRV1 protein function with a negative predictive value of 95%. In summary, the available evidence is currently insufficient to determine the role of this variant in disease. Therefore, it has been classified as a Variant of Uncertain Significance.

Blueprint Genetics
Classification: Uncertain significance. Last evaluated: 2019-10-25. Review status: criteria provided, single submitter. Criteria: ACMG Guidelines, 2015. Collection method: clinical testing. Allele origin: germline.

NM_032119.4(ADGRV1):c.14557G>T (p.Val4853Leu)

Gene: ADGRV1 (adhesion G protein-coupled receptor V1; plus strand). Cytogenetic location: 5q14.3.
Variant type: single nucleotide variant.
Coding change: c.14557G>T on transcript NM_032119.4 (MANE Select); coding-DNA position 14557, G replaced by T.
Protein change: p.Val4853Leu; replaces valine 4853 with leucine.
Molecular consequence: missense variant. On other transcripts: non-coding transcript variant (1).
Genome position (GRCh38, 1-based): chr5:90,802,778, G>T. VCF-style: chr5-90802778-G-T. GRCh37 (hg19) VCF-style: chr5-90098595-G-T.
Other names: short protein forms V4853L.
Identifiers: ClinVar variation 1020484 (VCV001020484.9), dbSNP rs1678002421, ClinGen allele CA360404801.